The following is an entry in ClinVar:

NM_001035.3(RYR2):c.2502G>A (p.Val834=)

Gene: RYR2 (ryanodine receptor 2; plus strand). Cytogenetic location: 1q43.
Variant type: single nucleotide variant.
Coding change: c.2502G>A on transcript NM_001035.3 (MANE Select); coding-DNA position 2502, G replaced by A.
Protein change: p.Val834=; no amino-acid change (valine 834 retained).
Molecular consequence: synonymous variant.
Genome position (GRCh38, 1-based): chr1:237,503,394, G>A. VCF-style: chr1-237503394-G-A. GRCh37 (hg19) VCF-style: chr1-237666694-G-A.
Identifiers: ClinVar variation 1792275 (VCV001792275.8), dbSNP rs774915354, ClinGen allele CA086061.
Genomic context (GRCh38, chr1:237,503,394, plus strand): 5'-TCCTCCACCTGGGTATGCTCCTTGTTATGAAGCTGTTCTGCCAAAAGAAAAGTTGAAAGT[G>A]GAACACAGCCGAGAGTACAAGCAAGAAAGAACTTACACACGCGACCTGCTGGGCCCCACA-3'
Protein context (NP_001026.2, residues 824-844): EAVLPKEKLK[Val834=]EHSREYKQER

ClinVar aggregate classification (germline): Likely benign. Review status: criteria provided, multiple submitters, no conflicts (2 of 4 stars). 3 submissions from 3 submitters: Likely benign (3). Last evaluated 2025-11-17.

Conditions:
Catecholaminergic polymorphic ventricular tachycardia (CVPT). Also called: Catecholamine-induced polymorphic ventricular tachycardia. Identifiers: Orphanet 3286, MedGen C5574922, MONDO:0017990.
Catecholaminergic polymorphic ventricular tachycardia 1. Also called: VENTRICULAR TACHYCARDIA, CATECHOLAMINERGIC POLYMORPHIC, 1, WITH OR WITHOUT ATRIAL DYSFUNCTION AND/OR DILATED CARDIOMYOPATHY; RYR2-Related Catecholaminergic Polymorphic Ventricular Tachycardia; VENTRICULAR TACHYCARDIA, STRESS-INDUCED POLYMORPHIC 1. Identifiers: Orphanet 3286, MedGen C1631597, MONDO:0011484, OMIM 604772.
Cardiovascular phenotype. Identifiers: MedGen CN230736.

Allele frequency attached by ClinVar (database versions not stated): gnomAD exomes 0.00001; ExAC 0.00002.
gnomAD v4.1: 7 of 1,613,896 alleles (0.00043%); highest among the groups gnomAD compares: Admixed American, 0.0083%; 1 homozygote.

Submissions (3):

Labcorp Genetics (formerly Invitae), Labcorp
Classification: Likely benign for Catecholaminergic polymorphic ventricular tachycardia 1. Last evaluated: 2025-11-17. Review status: criteria provided, single submitter. Criteria: Invitae Variant Classification Sherloc (09022015). Collection method: clinical testing. Allele origin: germline.

All of Us Research Program, National Institutes of Health
Classification: Likely benign for Catecholaminergic polymorphic ventricular tachycardia. Last evaluated: 2023-11-20. Review status: criteria provided, single submitter. Criteria: ACMG Guidelines, 2015. Collection method: clinical testing. Allele origin: germline. Inheritance: Autosomal dominant inheritance. Observed: 1 variant allele, 1 heterozygote.
Comment: This study involves interpretation of variants in research participants for the purpose of population health screening. Participant phenotype was not available at the time of variant classification. Additional details can be found in publication PMID: 35346344, PMCID: PMC8962531

Ambry Genetics
Classification: Likely benign for Cardiovascular phenotype. Last evaluated: 2020-10-15. Review status: criteria provided, single submitter. Criteria: Ambry Variant Classification Scheme 2023. Collection method: clinical testing. Allele origin: germline.